The following is an entry in ClinVar:

ClinVar aggregate classification (germline): Conflicting classifications of pathogenicity. Review status: criteria provided, conflicting classifications (1 of 4 stars). 3 submissions from 3 submitters: Uncertain significance (1); Likely benign (2). Last evaluated 2025-09-30.

Conditions:
Primary open angle glaucoma (POAG). Also called: OPTN-related open angle glaucoma. Identifiers: MedGen C0339573, MONDO:0100553, OMIM 137760.
Glaucoma 1, open angle, E. Identifiers: MedGen C1842026, MONDO:0007665.
Amyotrophic lateral sclerosis type 12 (ALS12). Also called: AMYOTROPHIC LATERAL SCLEROSIS 12 WITH OR WITHOUT FRONTOTEMPORAL DEMENTIA. Identifiers: Orphanet 803, MedGen C3150692, MONDO:0013264, OMIM 613435.
OPTN-related disorder. Also called: OPTN-related condition; OPTN-related disorders.

Allele frequency attached by ClinVar (database versions not stated): ExAC 0.00002; gnomAD 0.00002; gnomAD exomes 0.00003 and 0.00006; TOPMed 0.00003.
gnomAD v4.1: 91 of 1,603,326 alleles (0.0057%); highest among the groups gnomAD compares: Non-Finnish European, 0.0074%; no homozygotes.

Submissions (3):

Mayo Clinic Laboratories, Mayo Clinic
Classification: Likely benign. Last evaluated: 2025-09-30. Review status: criteria provided, single submitter. Criteria: ACMG Guidelines, 2015. Collection method: clinical testing. Allele origin: germline. Observed: 1 variant allele.
Comment: BP4, BP7

Labcorp Genetics (formerly Invitae), Labcorp
Classification: Uncertain significance for Primary open angle glaucoma; Glaucoma 1, open angle, E; Amyotrophic lateral sclerosis type 12. Last evaluated: 2025-01-20. Review status: criteria provided, single submitter. Criteria: Invitae Variant Classification Sherloc (09022015). Collection method: clinical testing. Allele origin: germline.
Comment: This sequence change falls in intron 7 of the OPTN gene. It does not directly change the encoded amino acid sequence of the OPTN protein. It affects a nucleotide within the consensus splice site. This variant is present in population databases (rs761196996, gnomAD 0.006%). This variant has not been reported in the literature in individuals affected with OPTN-related conditions. ClinVar contains an entry for this variant (Variation ID: 1466875). Variants that disrupt the consensus splice site are a relatively common cause of aberrant splicing (PMID: 17576681, 9536098). Algorithms developed to predict the effect of sequence changes on RNA splicing suggest that this variant is not likely to affect RNA splicing. In summary, the available evidence is currently insufficient to determine the role of this variant in disease. Therefore, it has been classified as a Variant of Uncertain Significance.

PreventionGenetics, part of Exact Sciences
Classification: Likely benign for OPTN-related condition. Last evaluated: 2024-12-12. Review status: criteria provided, single submitter. Criteria: ACMG Guidelines, 2015. Collection method: clinical testing. Allele origin: germline.
Comment: This variant is classified as likely benign based on ACMG/AMP sequence variant interpretation guidelines (Richards et al. 2015 PMID: 25741868, with internal and published modifications).

Literature cited by the submitters: PubMed 17576681 (cited by Labcorp Genetics (formerly Invitae), Labcorp); PubMed 9536098 (cited by Labcorp Genetics (formerly Invitae), Labcorp).

NM_001008212.2(OPTN):c.882+3G>A

Gene: OPTN (optineurin; plus strand). Cytogenetic location: 10p13.
Variant type: single nucleotide variant.
Coding change: c.882+3G>A on transcript NM_001008212.2 (MANE Select); 3 bases into the intron after coding-DNA position 882, G replaced by A.
Molecular consequence: intron variant.
Genome position (GRCh38, 1-based): chr10:13,122,490, G>A. VCF-style: chr10-13122490-G-A. GRCh37 (hg19) VCF-style: chr10-13164490-G-A.
Other names: p.?; c.882+3G>A (NM_001008211.1, NM_001008213.1, NM_021980.4).
Identifiers: ClinVar variation 1466875 (VCV001466875.8), dbSNP rs761196996, ClinGen allele CA5410773.